The following is an entry in ClinVar:

NM_020312.4(COQ9):c.-9G>C

Genes: COQ9 (coenzyme Q9; plus strand), LOC112469007 (Sharpr-MPRA regulatory region 5957; plus strand). Cytogenetic location: 16q21.
Variant type: single nucleotide variant.
Coding change: c.-9G>C on transcript NM_020312.4 (MANE Select); 9 bases upstream of the start codon, G replaced by C.
Molecular consequence: 5 prime UTR variant.
Genome position (GRCh38, 1-based): chr16:57,447,497, G>C. VCF-style: chr16-57447497-G-C. GRCh37 (hg19) VCF-style: chr16-57481409-G-C.
Identifiers: ClinVar variation 3357406 (VCV003357406.1).

ClinVar aggregate classification (germline): Likely benign (0 of 4 stars; one submission).

Conditions:
COQ9-related disorder. Also called: COQ9-related condition.

Submission:

PreventionGenetics, part of Exact Sciences
Classification: Likely benign for COQ9-related condition. Last evaluated: 2019-09-06. Review status: no assertion criteria provided. Collection method: clinical testing. Allele origin: germline.
Comment: This variant is classified as likely benign based on ACMG/AMP sequence variant interpretation guidelines (Richards et al. 2015 PMID: 25741868, with internal and published modifications).